The following is an entry in ClinVar:

NM_001379500.1(COL18A1):c.2085C>T (p.Asp695=)

Gene: COL18A1 (collagen type XVIII alpha 1 chain; plus strand). Cytogenetic location: 21q22.3.
Variant type: single nucleotide variant.
Coding change: c.2085C>T on transcript NM_001379500.1 (MANE Select); coding-DNA position 2085, C replaced by T.
Protein change: p.Asp695=; no amino-acid change (aspartic acid 695 retained).
Molecular consequence: synonymous variant.
Genome position (GRCh38, 1-based): chr21:45,491,242, C>T. VCF-style: chr21-45491242-C-T. GRCh37 (hg19) VCF-style: chr21-46911156-C-T.
Other names: NM_130445.2:c.2085C>T; c.2625C>T, p.Asp875= (NM_030582.4); c.3330C>T, p.Asp1110= (NM_130444.3); c.2625C>T (NM_030582.3).
Identifiers: ClinVar variation 340236 (VCV000340236.14), dbSNP rs373006940, ClinGen allele CA10644808.

ClinVar aggregate classification (germline): Conflicting classifications of pathogenicity. Review status: criteria provided, conflicting classifications (1 of 4 stars). 4 submissions from 4 submitters: Uncertain significance (1); Likely benign (3). Last evaluated 2025-06-18.

Conditions:
Knobloch syndrome (KNO). Also called: RETINAL DETACHMENT AND OCCIPITAL ENCEPHALOCELE; Myopia retinal detachment encephalocele. Identifiers: Orphanet 1571, MedGen C1849409, MONDO:0800166.
COL18A1-related disorder. Also called: COL18A1-related condition; COL18A1-related disorders.

Allele frequency attached by ClinVar (database versions not stated): gnomAD 0.00004 and 0.00006; gnomAD exomes 0.00004 and 0.00005; TOPMed 0.00006; ESP Exome Variant Server 0.00008; 1000 Genomes Project 30x 0.00016; 1000 Genomes Project 0.00020.
gnomAD v4.1: 79 of 1,612,130 alleles (0.0049%); highest among the groups gnomAD compares: Non-Finnish European, 0.0055%; no homozygotes.

Submissions (4):

PreventionGenetics, part of Exact Sciences
Classification: Likely benign for COL18A1-related condition. Last evaluated: 2025-06-18. Review status: criteria provided, single submitter. Criteria: ACMG Guidelines, 2015. Collection method: clinical testing. Allele origin: germline.
Comment: This variant is classified as likely benign based on ACMG/AMP sequence variant interpretation guidelines (Richards et al. 2015 PMID: 25741868, with internal and published modifications).

Labcorp Genetics (formerly Invitae), Labcorp
Classification: Likely benign. Last evaluated: 2024-12-24. Review status: criteria provided, single submitter. Criteria: Invitae Variant Classification Sherloc (09022015). Collection method: clinical testing. Allele origin: germline.

Blueprint Genetics
Classification: Likely benign. Last evaluated: 2024-09-02. Review status: criteria provided, single submitter. Criteria: ACMG Guidelines, 2015. Collection method: clinical testing. Allele origin: germline.

Illumina Laboratory Services, Illumina
Classification: Uncertain significance for Knobloch syndrome 1. Last evaluated: 2018-01-13. Review status: criteria provided, single submitter. Criteria: ICSL Variant Classification Criteria 13 December 2019. Collection method: clinical testing. Allele origin: germline.